The following is an entry in ClinVar:

NM_004990.4(MARS1):c.1818G>A (p.Met606Ile)

Gene: MARS1 (methionyl-tRNA synthetase 1; plus strand). Cytogenetic location: 12q13.3.
Variant type: single nucleotide variant.
Coding change: c.1818G>A on transcript NM_004990.4 (MANE Select); coding-DNA position 1818, G replaced by A.
Protein change: p.Met606Ile; replaces methionine 606 with isoleucine.
Molecular consequence: missense variant.
Genome position (GRCh38, 1-based): chr12:57,512,815, G>A. VCF-style: chr12-57512815-G-A. GRCh37 (hg19) VCF-style: chr12-57906598-G-A.
Other names: short protein forms M606I.
Identifiers: ClinVar variation 3749184 (VCV003749184.2).

ClinVar aggregate classification (germline): Uncertain significance (1 of 4 stars; one submission).

Conditions:
Charcot-Marie-Tooth disease axonal type 2U. Also called: CHARCOT-MARIE-TOOTH NEUROPATHY, TYPE 2U; CHARCOT-MARIE-TOOTH DISEASE, AXONAL, AUTOSOMAL DOMINANT, TYPE 2U. Identifiers: Orphanet 397735, MedGen C4084821, MONDO:0014566, OMIM 616280.
Severe early-onset pulmonary alveolar proteinosis due to MARS deficiency. Also called: PULMONARY ALVEOLAR PROTEINOSIS, REUNION ISLAND; Interstitial lung and liver disease. Identifiers: Orphanet 440427, MedGen C4225400, MONDO:0014206, OMIM 615486.

Submission:

Labcorp Genetics (formerly Invitae), Labcorp
Classification: Uncertain significance for Charcot-Marie-Tooth disease axonal type 2U; Severe early-onset pulmonary alveolar proteinosis due to MARS deficiency. Last evaluated: 2024-08-12. Review status: criteria provided, single submitter. Criteria: Invitae Variant Classification Sherloc (09022015). Collection method: clinical testing. Allele origin: germline.
Comment: This sequence change replaces methionine, which is neutral and non-polar, with isoleucine, which is neutral and non-polar, at codon 606 of the MARS protein (p.Met606Ile). This variant is not present in population databases (gnomAD no frequency). This variant has not been reported in the literature in individuals affected with MARS-related conditions. An algorithm developed to predict the effect of missense changes on protein structure and function (PolyPhen-2) suggests that this variant is likely to be disruptive. In summary, the available evidence is currently insufficient to determine the role of this variant in disease. Therefore, it has been classified as a Variant of Uncertain Significance.